The following is an entry in ClinVar:

ClinVar aggregate classification (germline): Uncertain significance (1 of 4 stars; one submission).

Submission:

GeneDx
Classification: Uncertain significance. Last evaluated: 2023-12-10. Review status: criteria provided, single submitter. Criteria: GeneDx Variant Classification Process June 2021. Collection method: clinical testing. Allele origin: germline. Affected: yes.
Comment: Has not been previously published as pathogenic or benign to our knowledge; Not observed at significant frequency in large population cohorts (gnomAD); In silico analysis supports that this missense variant has a deleterious effect on protein structure/function

NM_006922.4(SCN3A):c.2499C>A (p.Ser833Arg)

Gene: SCN3A (sodium voltage-gated channel alpha subunit 3; minus strand). Cytogenetic location: 2q24.3.
Variant type: single nucleotide variant.
Coding change: c.2499C>A on transcript NM_006922.4 (MANE Select); coding-DNA position 2499, C replaced by A.
Protein change: p.Ser833Arg; replaces serine 833 with arginine.
Molecular consequence: missense variant.
Genome position (GRCh38, 1-based): chr2:165,131,310, G>T on the plus strand (C>A on the coding strand, the complement: SCN3A is on the minus strand). VCF-style: chr2-165131310-G-T. GRCh37 (hg19) VCF-style: chr2-165987820-G-T.
Other names: c.2352C>A, p.Ser784Arg (NM_001081676.2, NM_001081677.2); short protein forms S784R, S833R.
Identifiers: ClinVar variation 3253143 (VCV003253143.1), dbSNP rs2105777237.